The following is an entry in ClinVar:

NM_020843.4(SCAPER):c.880T>C (p.Ser294Pro)

Gene: SCAPER (S-phase cyclin A associated protein in the ER; minus strand). Cytogenetic location: 15q24.3.
Variant type: single nucleotide variant.
Coding change: c.880T>C on transcript NM_020843.4 (MANE Select); coding-DNA position 880, T replaced by C.
Protein change: p.Ser294Pro; replaces serine 294 with proline.
Molecular consequence: missense variant. On other transcripts: non-coding transcript variant (1).
Genome position (GRCh38, 1-based): chr15:76,775,010, A>G on the plus strand (T>C on the coding strand, the complement: SCAPER is on the minus strand). VCF-style: chr15-76775010-A-G. GRCh37 (hg19) VCF-style: chr15-77067351-A-G.
Other names: c.142T>C, p.Ser48Pro (NM_001145923.2); c.880T>C, p.Ser294Pro (NM_001353009.2); c.478T>C, p.Ser160Pro (NM_001353010.2, NM_001353011.2, NM_001353012.2); short protein forms S160P, S294P, S48P.
Identifiers: ClinVar variation 3368173 (VCV003368173.1).

ClinVar aggregate classification (germline): Uncertain significance (1 of 4 stars; one submission).

gnomAD v4.1: 1 of 1,613,672 alleles (0.000062%); highest among the groups gnomAD compares: Admixed American, 0.0017%; no homozygotes.

Submission:

GeneDx
Classification: Uncertain significance. Last evaluated: 2024-01-20. Review status: criteria provided, single submitter. Criteria: GeneDx Variant Classification Process June 2021. Collection method: clinical testing. Allele origin: germline. Affected: yes.
Comment: Not observed at significant frequency in large population cohorts (gnomAD); In silico analysis supports that this missense variant has a deleterious effect on protein structure/function; Has not been previously published as pathogenic or benign to our knowledge